The following is an entry in ClinVar:

ClinVar aggregate classification (germline): Uncertain significance. Review status: criteria provided, multiple submitters, no conflicts (2 of 4 stars). 2 submissions from 2 submitters: Uncertain significance (2). Last evaluated 2026-01-12.

Allele frequency attached by ClinVar (database versions not stated): gnomAD exomes 0.00003 and 0.00013; gnomAD 0.00005 and 0.00006; ExAC 0.00012; TOPMed 0.00019.

Submissions (2):

Labcorp Genetics (formerly Invitae), Labcorp
Classification: Uncertain significance. Last evaluated: 2026-01-12. Review status: criteria provided, single submitter. Criteria: Invitae Variant Classification Sherloc (09022015). Collection method: clinical testing. Allele origin: germline.
Comment: This sequence change replaces proline, which is neutral and non-polar, with serine, which is neutral and polar, at codon 179 of the IL6ST protein (p.Pro179Ser). This variant is present in population databases (rs746281716, gnomAD 0.08%). This variant has not been reported in the literature in individuals affected with IL6ST-related conditions. ClinVar contains an entry for this variant (Variation ID: 1357849). An algorithm developed to predict the effect of missense changes on protein structure and function (PolyPhen-2) suggests that this variant is likely to be tolerated. In summary, the available evidence is currently insufficient to determine the role of this variant in disease. Therefore, it has been classified as a Variant of Uncertain Significance.

Ambry Genetics
Classification: Uncertain significance. Last evaluated: 2025-08-21. Review status: criteria provided, single submitter. Criteria: Ambry Variant Classification Scheme 2023. Collection method: clinical testing. Allele origin: germline.

NM_002184.4(IL6ST):c.535C>T (p.Pro179Ser)

Gene: IL6ST (interleukin 6 cytokine family signal transducer; minus strand). Cytogenetic location: 5q11.2.
Variant type: single nucleotide variant.
Coding change: c.535C>T on transcript NM_002184.4 (MANE Select); coding-DNA position 535, C replaced by T.
Protein change: p.Pro179Ser; replaces proline 179 with serine.
Molecular consequence: missense variant. On other transcripts: 5 prime UTR variant (3), non-coding transcript variant (2).
Genome position (GRCh38, 1-based): chr5:55,964,269, G>A on the plus strand (C>T on the coding strand, the complement: IL6ST is on the minus strand). VCF-style: chr5-55964269-G-A. GRCh37 (hg19) VCF-style: chr5-55260097-G-A.
Other names: c.535C>T, p.Pro179Ser (NM_001190981.2, NM_001364275.2, NM_175767.3); c.325C>T, p.Pro109Ser (NM_001364276.2); c.-379C>T (NM_001364277.2, NM_001364279.2); c.-369C>T (NM_001364278.2); c.535C>T (NM_002184.3); short protein forms P109S, P179S.
Identifiers: ClinVar variation 1357849 (VCV001357849.7), dbSNP rs746281716, ClinGen allele CA3271674.